The following is an entry in ClinVar:

ClinVar aggregate classification (germline): Uncertain significance (1 of 4 stars; one submission).

Conditions:
Severe X-linked myotubular myopathy (CNMX). Also called: X-linked centronuclear myopathy; MYOTUBULAR MYOPATHY 1; Myotubular myopathy, X-linked. Identifiers: Orphanet 596, MedGen C0410203, MONDO:0010683, OMIM 310400.

Allele frequency attached by ClinVar (database versions not stated): gnomAD exomes below 0.00001.

Submission:

Labcorp Genetics (formerly Invitae), Labcorp
Classification: Uncertain significance for Severe X-linked myotubular myopathy. Last evaluated: 2023-08-28. Review status: criteria provided, single submitter. Criteria: Invitae Variant Classification Sherloc (09022015). Collection method: clinical testing. Allele origin: germline.
Comment: In summary, the available evidence is currently insufficient to determine the role of this variant in disease. Therefore, it has been classified as a Variant of Uncertain Significance. Advanced modeling of protein sequence and biophysical properties (such as structural, functional, and spatial information, amino acid conservation, physicochemical variation, residue mobility, and thermodynamic stability) has been performed at Invitae for this missense variant, however the output from this modeling did not meet the statistical confidence thresholds required to predict the impact of this variant on MTM1 protein function. This variant has not been reported in the literature in individuals affected with MTM1-related conditions. This variant is present in population databases (no rsID available, gnomAD 0.008%), including at least one homozygous and/or hemizygous individual. This sequence change replaces methionine, which is neutral and non-polar, with threonine, which is neutral and polar, at codon 558 of the MTM1 protein (p.Met558Thr).

NM_000252.3(MTM1):c.1673T>C (p.Met558Thr)

Gene: MTM1 (myotubularin 1; plus strand). Cytogenetic location: Xq28.
Variant type: single nucleotide variant.
Coding change: c.1673T>C on transcript NM_000252.3 (MANE Select); coding-DNA position 1673, T replaced by C.
Protein change: p.Met558Thr; replaces methionine 558 with threonine.
Molecular consequence: missense variant.
Genome position (GRCh38, 1-based): chrX:150,671,456, T>C. VCF-style: chrX-150671456-T-C. GRCh37 (hg19) VCF-style: chrX-149839929-T-C.
Other names: c.1670T>C, p.Met557Thr (NM_001376906.1); c.1562T>C, p.Met521Thr (NM_001376907.1); c.1673T>C, p.Met558Thr (NM_001376908.1); short protein forms M558T, M521T, M557T.
Identifiers: ClinVar variation 2730255 (VCV002730255.3), dbSNP rs1557415134, ClinGen allele CA415023232.